The following is an entry in ClinVar:

ClinVar aggregate classification (germline): Uncertain significance (1 of 4 stars; one submission).

Submission:

Labcorp Genetics (formerly Invitae), Labcorp
Classification: Uncertain significance. Last evaluated: 2022-09-01. Review status: criteria provided, single submitter. Criteria: Invitae Variant Classification Sherloc (09022015). Collection method: clinical testing. Allele origin: germline.
Comment: In summary, the available evidence is currently insufficient to determine the role of this variant in disease. Therefore, it has been classified as a Variant of Uncertain Significance. Algorithms developed to predict the effect of missense changes on protein structure and function are either unavailable or do not agree on the potential impact of this missense change (SIFT: "Deleterious"; PolyPhen-2: "Possibly Damaging"; Align-GVGD: "Class C0"). ClinVar contains an entry for this variant (Variation ID: 1418975). This variant has not been reported in the literature in individuals affected with MAPKAPK3-related conditions. This variant is not present in population databases (gnomAD no frequency). This sequence change replaces glutamic acid, which is acidic and polar, with alanine, which is neutral and non-polar, at codon 334 of the MAPKAPK3 protein (p.Glu334Ala).

NM_001243925.2(MAPKAPK3):c.1001A>C (p.Glu334Ala)

Gene: MAPKAPK3 (MAPK activated protein kinase 3; plus strand). Cytogenetic location: 3p21.2.
Variant type: single nucleotide variant.
Coding change: c.1001A>C on transcript NM_001243925.2 (MANE Select); coding-DNA position 1001, A replaced by C.
Protein change: p.Glu334Ala; replaces glutamic acid 334 with alanine.
Molecular consequence: missense variant.
Genome position (GRCh38, 1-based): chr3:50,647,898, A>C. VCF-style: chr3-50647898-A-C. GRCh37 (hg19) VCF-style: chr3-50685329-A-C.
Other names: c.1001A>C, p.Glu334Ala (NM_001243926.2, NM_004635.5); short protein forms E334A.
Identifiers: ClinVar variation 1418975 (VCV001418975.8), dbSNP rs2107604139, ClinGen allele CA352939524.